The following is an entry in ClinVar:

NM_153704.6(TMEM67):c.675G>A (p.Trp225Ter)

Gene: TMEM67 (transmembrane protein 67; plus strand). Cytogenetic location: 8q22.1.
Variant type: single nucleotide variant.
Coding change: c.675G>A on transcript NM_153704.6 (MANE Select); coding-DNA position 675, G replaced by A.
Protein change: p.Trp225Ter; replaces tryptophan 225 with a stop codon.
Molecular consequence: nonsense. On other transcripts: non-coding transcript variant (1).
Genome position (GRCh38, 1-based): chr8:93,772,612, G>A. VCF-style: chr8-93772612-G-A. GRCh37 (hg19) VCF-style: chr8-94784840-G-A.
Other names: c.432G>A, p.Trp144Ter (NM_001142301.1); short protein forms W144*, W225*.
Identifiers: ClinVar variation 56787 (VCV000056787.7), dbSNP rs386834205, ClinGen allele CA144494.

ClinVar aggregate classification (germline): Pathogenic. Review status: criteria provided, multiple submitters, no conflicts (2 of 4 stars). 3 submissions from 3 submitters: Pathogenic (2). 1 of the submissions does not count toward it. Last evaluated 2023-04-08.

Conditions:
Meckel-Gruber syndrome. Also called: DYSENCEPHALIA SPLANCHNOCYSTICA; GRUBER SYNDROME; Dysencephalia splachnocystica. Identifiers: Orphanet 564, MedGen C0265215, MONDO:0018921.
Joubert syndrome. Also called: CEREBELLOPARENCHYMAL DISORDER IV; JOUBERT-BOLTSHAUSER SYNDROME; Familial aplasia of the vermis. Identifiers: Orphanet 475, MedGen C5979921, MONDO:0018772.
Meckel syndrome, type 3 (MKS3). Also called: MECKEL-GRUBER SYNDROME, TYPE 3. Identifiers: Orphanet 564, MedGen C1846357, MONDO:0011821, OMIM 607361.
Joubert syndrome 6 (JBTS6). Identifiers: Orphanet 475, MedGen C1853153, MONDO:0012539, OMIM 610688.

Allele frequency attached by ClinVar (database versions not stated): gnomAD exomes 0.00001 and below 0.00001; gnomAD 0.00001; ExAC 0.00002.
gnomAD v4.1: 3 of 1,612,624 alleles (0.00019%); highest among the groups gnomAD compares: Non-Finnish European, 0.00025%; no homozygotes.

Submissions (3):

Labcorp Genetics (formerly Invitae), Labcorp
Classification: Pathogenic for Joubert syndrome; Meckel-Gruber syndrome. Last evaluated: 2023-04-08. Review status: criteria provided, single submitter. Criteria: Invitae Variant Classification Sherloc (09022015). Collection method: clinical testing. Allele origin: germline.
Comment: For these reasons, this variant has been classified as Pathogenic. ClinVar contains an entry for this variant (Variation ID: 56787). This premature translational stop signal has been observed in individual(s) with TMEM67-related conditions (PMID: 19058225). This variant is present in population databases (rs386834205, gnomAD 0.002%). This sequence change creates a premature translational stop signal (p.Trp225*) in the TMEM67 gene. It is expected to result in an absent or disrupted protein product. Loss-of-function variants in TMEM67 are known to be pathogenic (PMID: 20232449, 23559409).

UW Hindbrain Malformation Research Program, University of Washington
Classification: Pathogenic for Joubert syndrome 6. Last evaluated: 2015-02-23. Review status: criteria provided, single submitter. Criteria: Bachmann-Gagescu et al. (J Med Genet. 2015). Collection method: research. Allele origin: unknown. Affected: yes.

Juha Muilu Group; Institute for Molecular Medicine Finland (FIMM)
Classification: Likely pathogenic for Meckel syndrome type 3. Review status: no assertion criteria provided. Collection method: not provided. Allele origin: unknown. Not counted in ClinVar's aggregate classification.
Comment: FinDis database variant: This variant was not found or characterized by our laboratory, data were collected from public sources: see reference
ClinVar note: Converted during submission from probable-pathogenic to Likely pathogenic.

Literature cited by the submitters: PubMed 19058225 (cited by Labcorp Genetics (formerly Invitae), Labcorp); PubMed 20232449 (cited by Labcorp Genetics (formerly Invitae), Labcorp); PubMed 23559409 (cited by Labcorp Genetics (formerly Invitae), Labcorp).